The following is an entry in ClinVar:

ClinVar aggregate classification (germline): Uncertain significance (1 of 4 stars; one submission).

gnomAD v4.1: 1 of 1,209,876 alleles (0.000083%); no homozygotes.

Submission:

Labcorp Genetics (formerly Invitae), Labcorp
Classification: Uncertain significance. Last evaluated: 2025-08-18. Review status: criteria provided, single submitter. Criteria: Invitae Variant Classification Sherloc (09022015). Collection method: clinical testing. Allele origin: germline.
Comment: This sequence change affects codon 800 of the GRIA3 mRNA. It is a 'silent' change, meaning that it does not change the encoded amino acid sequence of the GRIA3 protein. This variant is not present in population databases (gnomAD no frequency). This variant has not been reported in the literature in individuals affected with GRIA3-related conditions. Algorithms developed to predict the effect of sequence changes on RNA splicing suggest that this variant may disrupt the consensus splice site. In summary, the available evidence is currently insufficient to determine the role of this variant in disease. Therefore, it has been classified as a Variant of Uncertain Significance.

NM_000828.5(GRIA3):c.2400C>T (p.Tyr800=)

Gene: GRIA3 (glutamate ionotropic receptor AMPA type subunit 3; plus strand). Cytogenetic location: Xq25.
Variant type: single nucleotide variant.
Coding change: c.2400C>T on transcript NM_000828.5 (MANE Plus Clinical); coding-DNA position 2400, C replaced by T.
Protein change: p.Tyr800=; no amino-acid change (tyrosine 800 retained).
Molecular consequence: synonymous variant. On other transcripts: intron variant (1).
Genome position (GRCh38, 1-based): chrX:123,465,749, C>T. VCF-style: chrX-123465749-C-T. GRCh37 (hg19) VCF-style: chrX-122599600-C-T.
Other names: c.2324+637C>T (NM_007325.5).
Identifiers: ClinVar variation 4804031 (VCV004804031.1).